The following is an entry in ClinVar:

NM_032638.5(GATA2):c.689G>A (p.Arg230His)

Gene: GATA2 (GATA binding protein 2; minus strand). Cytogenetic location: 3q21.3.
Variant type: single nucleotide variant.
Coding change: c.689G>A on transcript NM_032638.5 (MANE Select); coding-DNA position 689, G replaced by A.
Protein change: p.Arg230His; replaces arginine 230 with histidine.
Molecular consequence: missense variant.
Genome position (GRCh38, 1-based): chr3:128,485,909, C>T on the plus strand (G>A on the coding strand, the complement: GATA2 is on the minus strand). VCF-style: chr3-128485909-C-T. GRCh37 (hg19) VCF-style: chr3-128204752-C-T.
Other names: c.689G>A, p.Arg230His (NM_001145661.2, NM_001145662.1); short protein forms R230H.
Identifiers: ClinVar variation 659998 (VCV000659998.9), dbSNP rs1265283318, ClinGen allele CA354406242.

ClinVar aggregate classification (germline): Uncertain significance. Review status: criteria provided, multiple submitters, no conflicts (2 of 4 stars). 2 submissions from 2 submitters: Uncertain significance (2). Last evaluated 2024-11-28.

Conditions:
Deafness-lymphedema-leukemia syndrome. Also called: Lymphedema, primary, with myelodysplasia; Emberger syndrome. Identifiers: Orphanet 3226, MedGen C3279664, MONDO:0013540, OMIM 614038.
Monocytopenia with susceptibility to infections. Also called: IMMUNODEFICIENCY 21; MONOCYTOPENIA AND MYCOBACTERIAL INFECTION SYNDROME; MONOCYTOPENIA WITH SUSCEPTIBILITY TO MYCOBACTERIAL, FUNGAL, AND PAPILLOMAVIRUS INFECTIONS AND MYELODYSPLASIA; COMBINED IMMUNODEFICIENCY WITH SUSCEPTIBILITY TO MYCOBACTERIAL, VIRAL, AND FUNGAL INFECTIONS; GATA2 DEFICIENCY; Dendritic cell, monocyte, B lymphocyte, and natural killer lymphocyte deficiency. Identifiers: Orphanet 228423, MedGen C3280030, MONDO:0013607, OMIM 614172.
Inborn genetic diseases. Identifiers: MedGen C0950123, MeSH D030342.

Allele frequency attached by ClinVar (database versions not stated): gnomAD exomes below 0.00001; TOPMed below 0.00001.

Submissions (2):

Ambry Genetics
Classification: Uncertain significance for Inborn genetic diseases. Last evaluated: 2024-11-28. Review status: criteria provided, single submitter. Criteria: Ambry Variant Classification Scheme 2023. Collection method: clinical testing. Allele origin: germline.
Comment: The p.R230H variant (also known as c.689G>A), located in coding exon 2 of the GATA2 gene, results from a G to A substitution at nucleotide position 689. The arginine at codon 230 is replaced by histidine, an amino acid with highly similar properties. This amino acid position is conserved. In addition, the in silico prediction for this alteration is inconclusive. Based on the available evidence, the clinical significance of this variant remains unclear.

Labcorp Genetics (formerly Invitae), Labcorp
Classification: Uncertain significance for Monocytopenia with susceptibility to infections; Deafness-lymphedema-leukemia syndrome. Last evaluated: 2023-10-15. Review status: criteria provided, single submitter. Criteria: Invitae Variant Classification Sherloc (09022015). Collection method: clinical testing. Allele origin: germline.
Comment: This sequence change replaces arginine, which is basic and polar, with histidine, which is basic and polar, at codon 230 of the GATA2 protein (p.Arg230His). This variant is present in population databases (no rsID available, gnomAD 0.003%). This variant has not been reported in the literature in individuals affected with GATA2-related conditions. ClinVar contains an entry for this variant (Variation ID: 659998). Advanced modeling of protein sequence and biophysical properties (such as structural, functional, and spatial information, amino acid conservation, physicochemical variation, residue mobility, and thermodynamic stability) has been performed at Invitae for this missense variant, however the output from this modeling did not meet the statistical confidence thresholds required to predict the impact of this variant on GATA2 protein function. In summary, the available evidence is currently insufficient to determine the role of this variant in disease. Therefore, it has been classified as a Variant of Uncertain Significance.